The following is an entry in ClinVar:

NM_001385641.1(SAMD11):c.2368G>T (p.Ala790Ser)

Gene: SAMD11 (sterile alpha motif domain containing 11; plus strand). Cytogenetic location: 1p36.33.
Variant type: single nucleotide variant.
Coding change: c.2368G>T on transcript NM_001385641.1 (MANE Select); coding-DNA position 2368, G replaced by T.
Protein change: p.Ala790Ser; replaces alanine 790 with serine.
Molecular consequence: missense variant.
Genome position (GRCh38, 1-based): chr1:943,986, G>T. VCF-style: chr1-943986-G-T. GRCh37 (hg19) VCF-style: chr1-879366-G-T.
Other names: c.2371G>T, p.Ala791Ser (NM_001385640.1); c.1879G>T, p.Ala627Ser (NM_152486.4); short protein forms A790S, A791S, A627S.
Identifiers: ClinVar variation 1040624 (VCV001040624.9), dbSNP rs748182628, ClinGen allele CA337818191.

ClinVar aggregate classification (germline): Uncertain significance (1 of 4 stars; one submission).

Submission:

Labcorp Genetics (formerly Invitae), Labcorp
Classification: Uncertain significance. Last evaluated: 2023-10-13. Review status: criteria provided, single submitter. Criteria: Invitae Variant Classification Sherloc (09022015). Collection method: clinical testing. Allele origin: germline.
Comment: This sequence change replaces alanine, which is neutral and non-polar, with serine, which is neutral and polar, at codon 627 of the SAMD11 protein (p.Ala627Ser). This variant is not present in population databases (gnomAD no frequency). This variant has not been reported in the literature in individuals affected with SAMD11-related conditions. ClinVar contains an entry for this variant (Variation ID: 1040624). An algorithm developed to predict the effect of missense changes on protein structure and function (PolyPhen-2) suggests that this variant is likely to be tolerated. In summary, the available evidence is currently insufficient to determine the role of this variant in disease. Therefore, it has been classified as a Variant of Uncertain Significance.